The following is an entry in ClinVar:

ClinVar aggregate classification (germline): Benign/Likely benign. Review status: criteria provided, multiple submitters, no conflicts (2 of 4 stars). 2 submissions from 2 submitters: Benign (1); Likely benign (1). Last evaluated 2026-03-31.

Conditions:
Hereditary cancer-predisposing syndrome. Also called: Neoplastic Syndromes, Hereditary; Tumor predisposition; Hereditary Cancer Syndrome; Hereditary neoplastic syndrome. Identifiers: Orphanet 140162, MedGen C0027672, MeSH D009386, MONDO:0015356.
Familial adenomatous polyposis 1 (FAP1). Also called: FAMILIAL ADENOMATOUS POLYPOSIS 1, ATTENUATED; POLYPOSIS, ADENOMATOUS INTESTINAL. Identifiers: MedGen C2713442, MONDO:0021056, OMIM 175100. Disease mechanism: loss of function.

Submissions (2):

Ambry Genetics
Classification: Likely benign for Hereditary cancer-predisposing syndrome. Last evaluated: 2026-03-31. Review status: criteria provided, single submitter. Criteria: Ambry Variant Classification Scheme 2023. Collection method: clinical testing. Allele origin: germline.

Myriad Genetics, Inc.
Classification: Benign for Familial adenomatous polyposis 1. Last evaluated: 2024-04-04. Review status: criteria provided, single submitter. Criteria: Myriad Autosomal Dominant, Autosomal Recessive and X-Linked Classification Criteria (2023). Collection method: clinical testing. Allele origin: unknown.
Comment: This variant is considered benign. This variant is a silent/synonymous amino acid change and it is not expected to impact splicing.

NM_000038.6(APC):c.6378A>G (p.Arg2126=)

Gene: APC (APC regulator of Wnt signaling pathway; plus strand). Cytogenetic location: 5q22.2.
Variant type: single nucleotide variant.
Coding change: c.6378A>G on transcript NM_000038.6 (MANE Select); coding-DNA position 6378, A replaced by G.
Protein change: p.Arg2126=; no amino-acid change (arginine 2126 retained).
Molecular consequence: synonymous variant. On other transcripts: non-coding transcript variant (2).
Genome position (GRCh38, 1-based): chr5:112,841,972, A>G. VCF-style: chr5-112841972-A-G. GRCh37 (hg19) VCF-style: chr5-112177669-A-G.
Other names: c.6378A>G, p.Arg2126= (NM_001127510.3, NM_001354895.2, NM_001407450.1); c.6324A>G, p.Arg2108= (NM_001127511.3); c.6432A>G, p.Arg2144= (NM_001354896.2, NM_001407447.1, NM_001407448.1 and 1 more transcripts); c.6408A>G, p.Arg2136= (NM_001354897.2); c.6303A>G, p.Arg2101= (NM_001354898.2); c.6294A>G, p.Arg2098= (NM_001354899.2); c.6255A>G, p.Arg2085= (NM_001354900.2); c.6201A>G, p.Arg2067= (NM_001354901.2, NM_001407453.1); and 12 more.
Identifiers: ClinVar variation 3254442 (VCV003254442.2), dbSNP rs2149963532.